The following is an entry in ClinVar:

NM_001271.4(CHD2):c.2731A>G (p.Asn911Asp)

Gene: CHD2 (chromodomain helicase DNA binding protein 2; plus strand). Cytogenetic location: 15q26.1.
Variant type: single nucleotide variant.
Coding change: c.2731A>G on transcript NM_001271.4 (MANE Select); coding-DNA position 2731, A replaced by G.
Protein change: p.Asn911Asp; replaces asparagine 911 with aspartic acid.
Molecular consequence: missense variant.
Genome position (GRCh38, 1-based): chr15:92,979,138, A>G. VCF-style: chr15-92979138-A-G. GRCh37 (hg19) VCF-style: chr15-93522368-A-G.
Other names: short protein forms N911D.
Identifiers: ClinVar variation 3636680 (VCV003636680.2).

ClinVar aggregate classification (germline): Pathogenic (1 of 4 stars; one submission).

Conditions:
Developmental and epileptic encephalopathy 94 (DEE94). Also called: Epileptic encephalopathy, childhood-onset; CHD2-Related Neurodevelopmental Disorders. Identifiers: Orphanet 1942, Orphanet 2382, MedGen C3809278, MONDO:0014150, OMIM 615369.

Submission:

Labcorp Genetics (formerly Invitae), Labcorp
Classification: Pathogenic for Developmental and epileptic encephalopathy 94. Last evaluated: 2024-07-19. Review status: criteria provided, single submitter. Criteria: Invitae Variant Classification Sherloc (09022015). Collection method: clinical testing. Allele origin: germline.
Comment: This sequence change replaces asparagine, which is neutral and polar, with aspartic acid, which is acidic and polar, at codon 911 of the CHD2 protein (p.Asn911Asp). This variant is not present in population databases (gnomAD no frequency). This missense change has been observed in individual(s) with clinical features of CHD2-related conditions (Invitae). In at least one individual the variant was observed to be de novo. Advanced modeling of protein sequence and biophysical properties (such as structural, functional, and spatial information, amino acid conservation, physicochemical variation, residue mobility, and thermodynamic stability) performed at Invitae indicates that this missense variant is not expected to disrupt CHD2 protein function with a negative predictive value of 95%. Algorithms developed to predict the effect of sequence changes on RNA splicing suggest that this variant may create or strengthen a splice site. For these reasons, this variant has been classified as Pathogenic.